The following is an entry in ClinVar:

NM_000071.3(CBS):c.1087del (p.Glu363fs)

Gene: CBS (cystathionine beta-synthase; minus strand). Cytogenetic location: 21q22.3.
Variant type: Deletion.
Coding change: c.1087del on transcript NM_000071.3 (MANE Select); coding-DNA position 1087, one base deleted (G; older notation c.1087delG).
Protein change: p.Glu363fs; shifts the reading frame from glutamic acid 363.
Molecular consequence: frameshift variant.
Genome position (GRCh38, 1-based): chr21:43,060,499, C deleted on the plus strand (G on the coding strand, the reverse complement: CBS is on the minus strand); the first of 2 consecutive C bases (chr21:43,060,499-43,060,500); deleting either gives the same sequence. VCF-style (leftmost placement, unchanged base first): chr21-43060498-TC-T. GRCh37 (hg19) VCF-style: chr21-44480608-TC-T.
Other names: c.1087del, p.Glu363fs (NM_001178008.3, NM_001178009.3, NM_001320298.2); c.772del, p.Glu258fs (NM_001321072.1); c.1087delG (NM_000071.2); short protein forms E258fs, E363fs.
Identifiers: ClinVar variation 420532 (VCV000420532.5), dbSNP rs1064794540, ClinGen allele CA16621013.

ClinVar aggregate classification (germline): Pathogenic/Likely pathogenic. Review status: criteria provided, multiple submitters, no conflicts (2 of 4 stars). 2 submissions from 2 submitters: Pathogenic (1); Likely pathogenic (1). Last evaluated 2025-09-28.

Conditions:
HYPERHOMOCYSTEINEMIA, THROMBOTIC, CBS-RELATED. Identifiers: MedGen C3150344, OMIM 236200.

Submissions (2):

Labcorp Genetics (formerly Invitae), Labcorp
Classification: Pathogenic for HYPERHOMOCYSTEINEMIA, THROMBOTIC, CBS-RELATED. Last evaluated: 2025-09-28. Review status: criteria provided, single submitter. Criteria: Invitae Variant Classification Sherloc (09022015). Collection method: clinical testing. Allele origin: germline.
Comment: This sequence change creates a premature translational stop signal (p.Glu363Serfs*20) in the CBS gene. While this is not anticipated to result in nonsense mediated decay, it is expected to disrupt the last 189 amino acid(s) of the CBS protein. This variant is not present in population databases (gnomAD no frequency). This variant has not been reported in the literature in individuals affected with CBS-related conditions. ClinVar contains an entry for this variant (Variation ID: 420532). This variant disrupts a region of the CBS protein in which other variant(s) (p.Leu539Ser) have been determined to be pathogenic (PMID: 8990018, 20506325). This suggests that this is a clinically significant region of the protein, and that variants that disrupt it are likely to be disease-causing. For these reasons, this variant has been classified as Pathogenic.

GeneDx
Classification: Likely pathogenic. Last evaluated: 2016-03-01. Review status: criteria provided, single submitter. Criteria: GeneDx Variant Classification (06012015). Collection method: clinical testing. Allele origin: germline. Affected: yes.
Comment: Although the c.1087delG variant in the CBS gene has not been reported to our knowledge, this variant causes a shift in reading frame starting at codon Glutamic acid 363, changing it to a Serine, and creating a premature stop codon at position 20 of the new reading frame, denoted p.Glu363SerfsX20. This variant is expected to result in either an abnormal, truncated protein product or loss of protein from this allele through nonsense-mediated mRNA decay. Other frameshift variants in the CBS gene have been reported in HGMD in association with homocystinuria (Stenson et al., 2014). Furthermore, the c.1087delG variant was not observed in approximately 6,500 individuals of European and African American ancestry in the NHLBI Exome Sequencing Project, indicating it is not a common benign variant in these populations.

Literature cited by the submitters: PubMed 8990018 (cited by Labcorp Genetics (formerly Invitae), Labcorp); PubMed 20506325 (cited by Labcorp Genetics (formerly Invitae), Labcorp).